The following is an entry in ClinVar:

ClinVar aggregate classification (germline): Uncertain significance (1 of 4 stars; one submission).

Conditions:
Oculodentodigital dysplasia, autosomal recessive. Also called: OCULODENTOOSSEOUS DYSPLASIA, AUTOSOMAL RECESSIVE; ODDD, AUTOSOMAL RECESSIVE; ODOD, AUTOSOMAL RECESSIVE. Identifiers: Orphanet 2710, MedGen C2749477, MONDO:0009768, OMIM 257850.

Submission:

Labcorp Genetics (formerly Invitae), Labcorp
Classification: Uncertain significance for Oculodentodigital dysplasia, autosomal recessive. Last evaluated: 2025-05-19. Review status: criteria provided, single submitter. Criteria: Invitae Variant Classification Sherloc (09022015). Collection method: clinical testing. Allele origin: germline.
Comment: This sequence change replaces leucine, which is neutral and non-polar, with methionine, which is neutral and non-polar, at codon 221 of the GJA1 protein (p.Leu221Met). This variant is present in population databases (no rsID available, gnomAD 0.007%). This variant has not been reported in the literature in individuals affected with GJA1-related conditions. Invitae Evidence Modeling of protein sequence and biophysical properties (such as structural, functional, and spatial information, amino acid conservation, physicochemical variation, residue mobility, and thermodynamic stability) indicates that this missense variant is expected to disrupt GJA1 protein function with a positive predictive value of 95%. In summary, the available evidence is currently insufficient to determine the role of this variant in disease. Therefore, it has been classified as a Variant of Uncertain Significance.

NM_000165.5(GJA1):c.661C>A (p.Leu221Met)

Gene: GJA1 (gap junction protein alpha 1; plus strand). Cytogenetic location: 6q22.31.
Variant type: single nucleotide variant.
Coding change: c.661C>A on transcript NM_000165.5 (MANE Select); coding-DNA position 661, C replaced by A.
Protein change: p.Leu221Met; replaces leucine 221 with methionine.
Molecular consequence: missense variant.
Genome position (GRCh38, 1-based): chr6:121,447,508, C>A. VCF-style: chr6-121447508-C-A. GRCh37 (hg19) VCF-style: chr6-121768654-C-A.
Other names: short protein forms L221M.
Identifiers: ClinVar variation 4698206 (VCV004698206.1).
Genomic context (GRCh38, chr6:121,447,508, plus strand): 5'-TCTCGCCCCACGGAGAAAACCATCTTCATCATCTTCATGCTGGTGGTGTCCTTGGTGTCC[C>A]TGGCCTTGAATATCATTGAACTCTTCTATGTTTTCTTCAAGGGCGTTAAGGATCGGGTTA-3'
Protein context (NP_000156.1, residues 211-231): IFMLVVSLVS[Leu221Met]ALNIIELFYV